The following is an entry in ClinVar:

NM_005186.4(CAPN1):c.1418G>A (p.Arg473His)

Gene: CAPN1 (calpain 1; plus strand). Cytogenetic location: 11q13.1.
Variant type: single nucleotide variant.
Coding change: c.1418G>A on transcript NM_005186.4 (MANE Select); coding-DNA position 1418, G replaced by A.
Protein change: p.Arg473His; replaces arginine 473 with histidine.
Molecular consequence: missense variant. On other transcripts: non-coding transcript variant (1).
Genome position (GRCh38, 1-based): chr11:65,206,527, G>A. VCF-style: chr11-65206527-G-A. GRCh37 (hg19) VCF-style: chr11-64973998-G-A.
Other names: c.1418G>A, p.Arg473His (NM_001198868.2, NM_001198869.2); c.1256G>A, p.Arg419His (NM_001198870.1); short protein forms R419H, R473H.
Identifiers: ClinVar variation 2184260 (VCV002184260.3), dbSNP rs201136905, ClinGen allele CA6093431.

ClinVar aggregate classification (germline): Uncertain significance (1 of 4 stars; one submission).

gnomAD v4.1: 50 of 1,613,260 alleles (0.0031%); highest among the groups gnomAD compares: South Asian, 0.038%; 1 homozygote.

Submission:

Labcorp Genetics (formerly Invitae), Labcorp
Classification: Uncertain significance. Last evaluated: 2022-03-25. Review status: criteria provided, single submitter. Criteria: Invitae Variant Classification Sherloc (09022015). Collection method: clinical testing. Allele origin: germline.
Comment: In summary, the available evidence is currently insufficient to determine the role of this variant in disease. Therefore, it has been classified as a Variant of Uncertain Significance. Algorithms developed to predict the effect of missense changes on protein structure and function are either unavailable or do not agree on the potential impact of this missense change (SIFT: "Deleterious"; PolyPhen-2: "Benign"; Align-GVGD: "Class C0"). This missense change has been observed in individual(s) with developmental disorder (PMID: 31785789). This variant is present in population databases (rs201136905, gnomAD 0.03%). This sequence change replaces arginine, which is basic and polar, with histidine, which is basic and polar, at codon 473 of the CAPN1 protein (p.Arg473His).

Literature cited by the submitters: PubMed 31785789.